The following is an entry in ClinVar:

NM_015047.3(EMC1):c.562del (p.Ala188fs)

Gene: EMC1 (ER membrane protein complex subunit 1; minus strand). Cytogenetic location: 1p36.13.
Variant type: Deletion.
Coding change: c.562del on transcript NM_015047.3 (MANE Select); coding-DNA position 562, one base deleted (G; older notation c.562delG).
Protein change: p.Ala188fs; shifts the reading frame from alanine 188.
Molecular consequence: frameshift variant.
Genome position (GRCh38, 1-based): chr1:19,241,090, C deleted on the plus strand (G on the coding strand, the reverse complement: EMC1 is on the minus strand); the first of 3 consecutive C bases (chr1:19,241,090-19,241,092); deleting any one gives the same sequence. VCF-style (leftmost placement, unchanged base first): chr1-19241089-GC-G. GRCh37 (hg19) VCF-style: chr1-19567583-GC-G.
Other names: c.562del, p.Ala188fs (NM_001271427.2, NM_001271428.2, NM_001375820.1 and 1 more transcripts); c.496del, p.Ala166fs (NM_001271429.2); short protein forms A166fs, A188fs.
Identifiers: ClinVar variation 3631583 (VCV003631583.3).

ClinVar aggregate classification (germline): Pathogenic/Likely pathogenic. Review status: criteria provided, multiple submitters, no conflicts (2 of 4 stars). 2 submissions from 2 submitters: Pathogenic (1); Likely pathogenic (1). Last evaluated 2024-03-20.

Conditions:
EMC1-related disorder. Also called: EMC1-related condition.

Submissions (2):

Labcorp Genetics (formerly Invitae), Labcorp
Classification: Pathogenic. Last evaluated: 2024-03-20. Review status: criteria provided, single submitter. Criteria: Invitae Variant Classification Sherloc (09022015). Collection method: clinical testing. Allele origin: germline.
Comment: This sequence change creates a premature translational stop signal (p.Ala188Profs*10) in the EMC1 gene. It is expected to result in an absent or disrupted protein product. Loss-of-function variants in EMC1 are known to be pathogenic (PMID: 26572623, 26942288, 29271071). This variant is present in population databases (no rsID available, gnomAD 0.003%). This variant has not been reported in the literature in individuals affected with EMC1-related conditions. For these reasons, this variant has been classified as Pathogenic.

Blueprint Genetics
Classification: Likely pathogenic for EMC1-related disorders. Last evaluated: 2021-06-22. Review status: criteria provided, single submitter. Criteria: ACMG Guidelines, 2015. Collection method: clinical testing. Allele origin: germline. Affected: yes. Observed: 2 variant alleles.

Literature cited by the submitters: PubMed 26572623 (cited by Labcorp Genetics (formerly Invitae), Labcorp); PubMed 26942288 (cited by Labcorp Genetics (formerly Invitae), Labcorp); PubMed 29271071 (cited by Labcorp Genetics (formerly Invitae), Labcorp).